The following is an entry in ClinVar:

ClinVar aggregate classification (germline): Uncertain significance (1 of 4 stars; one submission).

Conditions:
Capillary malformation-arteriovenous malformation syndrome. Also called: Capillary malformation-arteriovenous malformation. Identifiers: Orphanet 137667, MedGen C1842180, MONDO:0012016.

Submission:

Labcorp Genetics (formerly Invitae), Labcorp
Classification: Uncertain significance for Capillary malformation-arteriovenous malformation syndrome. Last evaluated: 2023-04-20. Review status: criteria provided, single submitter. Criteria: Invitae Variant Classification Sherloc (09022015). Collection method: clinical testing. Allele origin: germline.
Comment: In summary, the available evidence is currently insufficient to determine the role of this variant in disease. Therefore, it has been classified as a Variant of Uncertain Significance. An algorithm developed to predict the effect of missense changes on protein structure and function (PolyPhen-2) suggests that this variant is likely to be disruptive. ClinVar contains an entry for this variant (Variation ID: 2132264). This variant has not been reported in the literature in individuals affected with RASA1-related conditions. This variant is not present in population databases (gnomAD no frequency). This sequence change replaces isoleucine, which is neutral and non-polar, with threonine, which is neutral and polar, at codon 865 of the RASA1 protein (p.Ile865Thr).

NM_002890.3(RASA1):c.2594T>C (p.Ile865Thr)

Genes: CCNH (cyclin H; minus strand), RASA1 (RAS p21 protein activator 1; plus strand). Cytogenetic location: 5q14.3.
Variant type: single nucleotide variant.
Coding change: c.2594T>C on transcript NM_002890.3 (MANE Select); coding-DNA position 2594, T replaced by C.
Protein change: p.Ile865Thr; replaces isoleucine 865 with threonine.
Molecular consequence: missense variant. On other transcripts: intron variant (1).
Genome position (GRCh38, 1-based): chr5:87,379,841, T>C. VCF-style: chr5-87379841-T-C. GRCh37 (hg19) VCF-style: chr5-86675658-T-C.
Other names: c.2063T>C, p.Ile688Thr (NM_022650.3); c.933+15203A>G (NM_001364075.2); short protein forms I865T, I688T.
Identifiers: ClinVar variation 2132264 (VCV002132264.4), dbSNP rs2531360175, ClinGen allele CA360384205.